The following is an entry in ClinVar:

NM_032043.3(BRIP1):c.2441G>C (p.Arg814Pro)

Gene: BRIP1 (BRCA1 interacting DNA helicase 1; minus strand). Cytogenetic location: 17q23.2.
Variant type: single nucleotide variant.
Coding change: c.2441G>C on transcript NM_032043.3 (MANE Select); coding-DNA position 2441, G replaced by C.
Protein change: p.Arg814Pro; replaces arginine 814 with proline.
Molecular consequence: missense variant.
Genome position (GRCh38, 1-based): chr17:61,716,002, C>G on the plus strand (G>C on the coding strand, the complement: BRIP1 is on the minus strand). VCF-style: chr17-61716002-C-G. GRCh37 (hg19) VCF-style: chr17-59793363-C-G.
Other names: short protein forms R814P.
Identifiers: ClinVar variation 4783579 (VCV004783579.1).

ClinVar aggregate classification (germline): Uncertain significance (1 of 4 stars; one submission).

Conditions:
Fanconi anemia complementation group J. Also called: BRIP1-Related Fanconi Anemia. Identifiers: Orphanet 84, MedGen C1836860, MONDO:0012187, OMIM 609054.
Familial cancer of breast. Also called: Hereditary breast cancer; hereditary breast carcinoma; BREAST CANCER, FAMILIAL. Identifiers: Orphanet 227535, MedGen C0346153, MONDO:0016419, OMIM 114480. Disease mechanism: loss of function.

Submission:

Labcorp Genetics (formerly Invitae), Labcorp
Classification: Uncertain significance for Familial cancer of breast; Fanconi anemia complementation group J. Last evaluated: 2025-03-03. Review status: criteria provided, single submitter. Criteria: Invitae Variant Classification Sherloc (09022015). Collection method: clinical testing. Allele origin: germline.
Comment: This sequence change replaces arginine, which is basic and polar, with proline, which is neutral and non-polar, at codon 814 of the BRIP1 protein (p.Arg814Pro). This variant is not present in population databases (gnomAD no frequency). This variant has not been reported in the literature in individuals affected with BRIP1-related conditions. Invitae Evidence Modeling of protein sequence and biophysical properties (such as structural, functional, and spatial information, amino acid conservation, physicochemical variation, residue mobility, and thermodynamic stability) has been performed for this missense variant. However, the output from this modeling did not meet the statistical confidence thresholds required to predict the impact of this variant on BRIP1 protein function. In summary, the available evidence is currently insufficient to determine the role of this variant in disease. Therefore, it has been classified as a Variant of Uncertain Significance.